The following is an entry in ClinVar:

ClinVar aggregate classification (germline): Pathogenic (3 of 4 stars; one submission).

Conditions:
Breast-ovarian cancer, familial, susceptibility to, 1 (BROVCA1). Also called: BRCA1 Hereditary Breast and Ovarian Cancer; OVARIAN CANCER, SUSCEPTIBILITY TO. Identifiers: Orphanet 145, MedGen C2676676, MONDO:0011450, OMIM 604370. Disease mechanism: loss of function.

Submission:

Evidence-based Network for the Interpretation of Germline Mutant Alleles (ENIGMA)
Classification: Pathogenic for Breast-ovarian cancer, familial, susceptibility to, 1. Last evaluated: 2016-09-08. Review status: reviewed by expert panel. Criteria: ENIGMA BRCA1/2 Classification Criteria (2015). Collection method: curation. Allele origin: germline.
Comment: Variant allele predicted to encode a truncated non-functional protein.

NM_007294.4(BRCA1):c.4528del (p.Met1510fs)

Gene: BRCA1 (BRCA1 DNA repair associated; minus strand). Cytogenetic location: 17q21.31.
Variant type: Deletion.
Coding change: c.4528del on transcript NM_007294.4 (MANE Select); coding-DNA position 4528, one base deleted (A; older notation c.4528delA).
Protein change: p.Met1510fs; shifts the reading frame from methionine 1510.
Molecular consequence: frameshift variant. On other transcripts: non-coding transcript variant (1).
Genome position (GRCh38, 1-based): chr17:43,074,478, T deleted on the plus strand (A on the coding strand, the reverse complement: BRCA1 is on the minus strand). VCF-style (leftmost placement, unchanged base first): chr17-43074477-AT-A. GRCh37 (hg19) VCF-style: chr17-41226494-AT-A.
Other names: c.4315delA, p.Met1439Cysfs (NM_001407571.1, NM_001407894.1, NM_001407895.1 and 12 more transcripts); c.4594delA, p.Met1532Cysfs (NM_001407581.1, NM_001407582.1); c.4591delA, p.Met1531Cysfs (NM_001407583.1, NM_001407585.1, NM_001407587.1); c.4588delA, p.Met1530Cysfs (NM_001407590.1, NM_001407591.1); c.4528delA, p.Met1510Cysfs (NM_001407593.1, NM_001407594.1, NM_001407596.1 and 8 more transcripts); c.4525delA, p.Met1509Cysfs (NM_001407610.1, NM_001407611.1, NM_001407612.1 and 17 more transcripts); c.4522delA, p.Met1508Cysfs (NM_001407627.1, NM_001407628.1, NM_001407629.1 and 14 more transcripts); c.4519delA, p.Met1507Cysfs (NM_001407644.1, NM_001407645.1); and 71 more; short protein forms M1531fs, M1463fs, M1510fs, M406fs.
Identifiers: ClinVar variation 55222 (VCV000055222.4), dbSNP rs397509182, ClinGen allele CA002894.